The following is an entry in ClinVar:

ClinVar aggregate classification (germline): Likely pathogenic. Review status: criteria provided, multiple submitters, no conflicts (2 of 4 stars). 2 submissions from 2 submitters: Likely pathogenic (2). Last evaluated 2024-11-12.

Conditions:
Cerebellar dysfunction with variable cognitive and behavioral abnormalities (CECBA). Also called: Nonprogressive cerebellar atxia with intellectual disability. Identifiers: Orphanet 314647, MedGen C3553661, MONDO:0013886, OMIM 614756.

Allele frequency attached by ClinVar (database versions not stated): gnomAD exomes below 0.00001.
gnomAD v4.1: 1 of 1,614,082 alleles (0.000062%); highest among the groups gnomAD compares: Non-Finnish European, 0.000085%; no homozygotes.

Submissions (2):

GeneDx
Classification: Likely pathogenic. Last evaluated: 2024-11-12. Review status: criteria provided, single submitter. Criteria: GeneDx Variant Classification Process June 2021. Collection method: clinical testing. Allele origin: germline. Affected: yes.
Comment: Nonsense variant predicted to result in protein truncation or nonsense mediated decay in a gene for which loss of function is a known mechanism of disease; Not observed at significant frequency in large population cohorts (gnomAD); Has not been previously published as pathogenic or benign to our knowledge

Equipe Genetique des Anomalies du Developpement, Université de Bourgogne
Classification: Likely pathogenic for Cerebellar dysfunction with variable cognitive and behavioral abnormalities. Last evaluated: 2024-10-28. Review status: criteria provided, single submitter. Criteria: ACMG Guidelines, 2015. Collection method: clinical testing. Allele origin: germline. Affected: yes.
Comment: This is a nonsense variant predicted to result in a premature stop codon at position 1321 and likely results in an absent or disrupted protein product. Monoallelic pathogenic variants in CAMTA1 are reported in autosomal dominant cerebellar dysfunction with variable cognitive and behavioral abnormalities (OMIM #614756). Non-sense variants have been reported in literature (PMID: 32157189). This variant is reported once in a heterozygous state in population database gnomAD (v4.1.0). It has been reported as likely pathogenic in ClinVar. Based on the evidence outlined above, the variant was classified as likely pathogenic.

Literature cited by the submitters: PubMed 32157189 (cited by Equipe Genetique des Anomalies du Developpement, Université de Bourgogne).

NM_015215.4(CAMTA1):c.3962G>A (p.Trp1321Ter)

Genes: CAMTA1 (calmodulin binding transcription activator 1; plus strand), LOC126805603 (CDK7 strongly-dependent group 2 enhancer GRCh37_chr1:7798026-7799225; plus strand). Cytogenetic location: 1p36.23.
Variant type: single nucleotide variant.
Coding change: c.3962G>A on transcript NM_015215.4 (MANE Select); coding-DNA position 3962, G replaced by A.
Protein change: p.Trp1321Ter; replaces tryptophan 1321 with a stop codon.
Molecular consequence: nonsense. On other transcripts: intron variant (11).
Genome position (GRCh38, 1-based): chr1:7,738,262, G>A. VCF-style: chr1-7738262-G-A. GRCh37 (hg19) VCF-style: chr1-7798322-G-A.
Other names: c.3872G>A, p.Trp1291Ter (NM_001349608.2); c.1091G>A, p.Trp364Ter (NM_001349613.1); c.1034G>A, p.Trp345Ter (NM_001349614.1, NM_001349615.2, NM_001349616.2 and 2 more transcripts); c.3659-36G>A (NM_001349609.2, NM_001349610.2); c.3569-36G>A (NM_001349612.2); c.731-36G>A (NM_001349620.1, NM_001349621.1, NM_001349625.2 and 5 more transcripts); short protein forms W1321*, W364*, W1291*, W345*.
Identifiers: ClinVar variation 489158 (VCV000489158.7), dbSNP rs1553272873, ClinGen allele CA338133638.